The following is an entry in ClinVar:

NM_005188.4(CBL):c.1254C>G (p.Phe418Leu)

Gene: CBL (Cbl proto-oncogene; plus strand). Cytogenetic location: 11q23.3.
Variant type: single nucleotide variant.
Coding change: c.1254C>G on transcript NM_005188.4 (MANE Select); coding-DNA position 1254, C replaced by G.
Protein change: p.Phe418Leu; replaces phenylalanine 418 with leucine.
Molecular consequence: missense variant.
Genome position (GRCh38, 1-based): chr11:119,278,536, C>G. VCF-style: chr11-119278536-C-G. GRCh37 (hg19) VCF-style: chr11-119149246-C-G.
Other names: short protein forms F418L.
Identifiers: ClinVar variation 2137269 (VCV002137269.4), dbSNP rs2135304448, ClinGen allele CA382913817.

ClinVar aggregate classification (germline): Uncertain significance (1 of 4 stars; one submission).

Conditions:
RASopathy. Also called: Noonan spectrum disorder; rasopathies. Identifiers: Orphanet 536391, MedGen C5555857, MONDO:0021060.

Allele frequency attached by ClinVar (database versions not stated): gnomAD exomes below 0.00001.
gnomAD v4.1: 2 of 1,614,126 alleles (0.00012%); highest among the groups gnomAD compares: Non-Finnish European, 0.00017%; no homozygotes.

Submission:

Labcorp Genetics (formerly Invitae), Labcorp
Classification: Uncertain significance for RASopathy. Last evaluated: 2025-11-06. Review status: criteria provided, single submitter. Criteria: Invitae Variant Classification Sherloc (09022015). Collection method: clinical testing. Allele origin: germline.
Comment: This sequence change replaces phenylalanine, which is neutral and non-polar, with leucine, which is neutral and non-polar, at codon 418 of the CBL protein (p.Phe418Leu). This variant is not present in population databases (gnomAD no frequency). This missense change has been observed in individual(s) with juvenile myelomonocytic leukemia (PMID: 20955399, 23823657). ClinVar contains an entry for this variant (Variation ID: 2137269). Invitae Evidence Modeling of protein sequence and biophysical properties (such as structural, functional, and spatial information, amino acid conservation, physicochemical variation, residue mobility, and thermodynamic stability) has been performed for this missense variant. However, the output from this modeling did not meet the statistical confidence thresholds required to predict the impact of this variant on CBL protein function. In summary, the available evidence is currently insufficient to determine the role of this variant in disease. Therefore, it has been classified as a Variant of Uncertain Significance.

Literature cited by the submitters: PubMed 20955399; PubMed 23823657.